The following is an entry in ClinVar:

NM_004130.4(GYG1):c.384G>A (p.Trp128Ter)

Gene: GYG1 (glycogenin 1; plus strand). Cytogenetic location: 3q24.
Variant type: single nucleotide variant.
Coding change: c.384G>A on transcript NM_004130.4 (MANE Select); coding-DNA position 384, G replaced by A.
Protein change: p.Trp128Ter; replaces tryptophan 128 with a stop codon.
Molecular consequence: nonsense.
Genome position (GRCh38, 1-based): chr3:148,996,807, G>A. VCF-style: chr3-148996807-G-A. GRCh37 (hg19) VCF-style: chr3-148714594-G-A.
Other names: c.384G>A, p.Trp128Ter (NM_001184720.2, NM_001184721.2); short protein forms W128*.
Identifiers: ClinVar variation 2929759 (VCV002929759.3), dbSNP rs774778687, ClinGen allele CA2658548.

ClinVar aggregate classification (germline): Pathogenic (1 of 4 stars; one submission).

Conditions:
Glycogen storage disease XV (GSD15). Also called: GLYCOGENIN DEFICIENCY; GSD XV. Identifiers: Orphanet 263297, MedGen C3150754, MONDO:0013291, OMIM 613507.
Polyglucosan body myopathy type 2. Identifiers: Orphanet 456369, MedGen C4015452, MONDO:0014526, OMIM 616199.

Allele frequency attached by ClinVar (database versions not stated): TOPMed below 0.00001; ExAC 0.00001; gnomAD 0.00001; gnomAD exomes 0.00001.
gnomAD v4.1: 10 of 1,613,038 alleles (0.00062%); highest among the groups gnomAD compares: Non-Finnish European, 0.00085%; no homozygotes.

Submission:

Labcorp Genetics (formerly Invitae), Labcorp
Classification: Pathogenic for Polyglucosan body myopathy type 2; Glycogen storage disease XV. Last evaluated: 2024-09-16. Review status: criteria provided, single submitter. Criteria: Invitae Variant Classification Sherloc (09022015). Collection method: clinical testing. Allele origin: germline.
Comment: This sequence change creates a premature translational stop signal (p.Trp128*) in the GYG1 gene. It is expected to result in an absent or disrupted protein product. Loss-of-function variants in GYG1 are known to be pathogenic (PMID: 20357282, 25272951). This variant is present in population databases (rs774778687, gnomAD 0.003%). This variant has not been reported in the literature in individuals affected with GYG1-related conditions. For these reasons, this variant has been classified as Pathogenic.

Literature cited by the submitters: PubMed 20357282; PubMed 25272951.